The following is an entry in ClinVar:

NM_007118.4(TRIO):c.608A>T (p.Asp203Val)

Gene: TRIO (trio Rho guanine nucleotide exchange factor; plus strand). Cytogenetic location: 5p15.2.
Variant type: single nucleotide variant.
Coding change: c.608A>T on transcript NM_007118.4 (MANE Select); coding-DNA position 608, A replaced by T.
Protein change: p.Asp203Val; replaces aspartic acid 203 with valine.
Molecular consequence: missense variant. On other transcripts: non-coding transcript variant (1).
Genome position (GRCh38, 1-based): chr5:14,290,783, A>T. VCF-style: chr5-14290783-A-T. GRCh37 (hg19) VCF-style: chr5-14290892-A-T.
Other names: short protein forms D203V.
Identifiers: ClinVar variation 3365486 (VCV003365486.1).
Genomic context (GRCh38, chr5:14,290,783, plus strand): 5'-TGGTCTCTTTAGAAGGCCTTACCAAAGTAGTTGATCCTTCTCAGCTAACTCCTGAGTTTG[A>T]TGGCTGCCTGGAATACAACCACGAAGAATGGATTGAAATCAGAGTTGCTTTTGAAGACTA-3'
Protein context (NP_009049.2, residues 193-213): VDPSQLTPEF[Asp203Val]GCLEYNHEEW

ClinVar aggregate classification (germline): Uncertain significance (1 of 4 stars; one submission).

Submission:

GeneDx
Classification: Uncertain significance. Last evaluated: 2023-12-15. Review status: criteria provided, single submitter. Criteria: GeneDx Variant Classification Process June 2021. Collection method: clinical testing. Allele origin: germline. Affected: yes.
Comment: Not observed at significant frequency in large population cohorts (gnomAD); In silico analysis supports that this missense variant has a deleterious effect on protein structure/function; Has not been previously published as pathogenic or benign to our knowledge